The following is an entry in ClinVar:

ClinVar aggregate classification (germline): Likely pathogenic (1 of 4 stars; one submission).

Conditions:
Hydrolethalus syndrome. Identifiers: Orphanet 2189, MedGen C2931104, MONDO:0006037.

Submission:

Natera, Inc.
Classification: Likely pathogenic for Hydrolethalus syndrome. Last evaluated: 2024-04-26. Review status: criteria provided, single submitter. Criteria: Natera Variant Classification Schema (03/2026). Collection method: clinical testing. Allele origin: germline.
Comment: The c.25_26delCA variant in HYLS1 is a frameshift variant predicted to shift the reading frame beginning at codon 9 and leads to a stop codon 4 codons downstream. This variant is expected to result in nonsense mediated decay, truncation, or a dysfunctional protein product. This variant is rare in the general population with a frequency below the threshold expected for the associated phenotype(s). Given the available evidence, this variant is classified as Likely Pathogenic.

NM_001134793.2(HYLS1):c.25_26del (p.Gln9fs)

Genes: HYLS1 (HYLS1 centriolar and ciliogenesis associated; plus strand), PUS3 (pseudouridine synthase 3; minus strand). Cytogenetic location: 11q24.2.
Variant type: Deletion.
Coding change: c.25_26del on transcript NM_001134793.2 (MANE Select); coding-DNA positions 25 to 26, 2 bases deleted (CA; older notation c.25_26delCA).
Protein change: p.Gln9fs; shifts the reading frame from glutamine 9.
Molecular consequence: frameshift variant. On other transcripts: intron variant (7).
Genome position (GRCh38, 1-based): chr11:125,899,393-125,899,394, CA deleted; deleting any 2 consecutive bases within chr11:125,899,392-125,899,394 gives the same sequence; the c. name uses the placement nearest the transcript's 3' end. VCF-style (leftmost placement, unchanged base first): chr11-125899391-GAC-G. GRCh37 (hg19) VCF-style: chr11-125769286-GAC-G.
Other names: c.25_26del, p.Gln9fs (NM_001377270.1, NM_001424364.1, NM_145014.3 and 1 more transcripts); c.-246-3604_-246-3603del (NM_001271985.2); c.-46-3063_-46-3062del (NM_001441241.1, NM_001441239.1, NM_031307.4); c.-247+1286_-247+1287del (NM_001441238.1); c.-47+1286_-47+1287del (NM_001441240.1, NM_001441237.1); short protein forms Q9fs.
Identifiers: ClinVar variation 4816852 (VCV004816852.1).